The following is an entry in ClinVar:

ClinVar aggregate classification (germline): Uncertain significance. Review status: criteria provided, multiple submitters, no conflicts (2 of 4 stars). 3 submissions from 3 submitters: Uncertain significance (2). 1 of the submissions does not count toward it. Last evaluated 2025-07-06.

Conditions:
Long QT syndrome (LQTS). Identifiers: MedGen C0023976, MeSH D008133, MONDO:0002442. Disease mechanism: loss of function. Inheritance: Various modes of inheritance.
Limb-girdle muscular dystrophy (LGMD). Also called: Muscular Dystrophies, Limb-Girdle. Identifiers: Orphanet 263, MedGen C0686353, MeSH D049288, MONDO:0016971, HP:0006785.

Submissions (3):

GeneDx
Classification: Uncertain significance. Last evaluated: 2025-07-06. Review status: criteria provided, single submitter. Criteria: GeneDx Variant Classification Process June 2021. Collection method: clinical testing. Allele origin: germline. Affected: yes.
Comment: Not observed at significant frequency in large population cohorts (gnomAD); Missense variants in this gene are a common cause of disease and they are underrepresented in the general population; In silico analysis supports that this missense variant has a deleterious effect on protein structure/function; Has not been previously published as pathogenic or benign to our knowledge; This variant is associated with the following publications: (PMID: 25630502)

Labcorp Genetics (formerly Invitae), Labcorp
Classification: Uncertain significance for Long QT syndrome. Last evaluated: 2025-06-01. Review status: criteria provided, single submitter. Criteria: Invitae Variant Classification Sherloc (09022015). Collection method: clinical testing. Allele origin: germline.
Comment: This sequence change replaces serine, which is neutral and polar, with arginine, which is basic and polar, at codon 53 of the CAV3 protein (p.Ser53Arg). This variant is not present in population databases (gnomAD no frequency). This variant has not been reported in the literature in individuals affected with CAV3-related conditions. ClinVar contains an entry for this variant (Variation ID: 2882848). An algorithm developed to predict the effect of missense changes on protein structure and function (PolyPhen-2) suggests that this variant is likely to be disruptive. In summary, the available evidence is currently insufficient to determine the role of this variant in disease. Therefore, it has been classified as a Variant of Uncertain Significance.

Department of Neuromuscular Research, National Center of Neurology and Psychiatry
Classification: Likely pathogenic for Limb-girdle muscular dystrophy. Review status: no assertion criteria provided. Collection method: clinical testing. Allele origin: unknown. Inheritance: Autosomal dominant inheritance. Affected: yes. Observed: 1 variant allele, 1 heterozygote. Not counted in ClinVar's aggregate classification.
Comment: Likely Pathogenic (PM2, PM1, PP2, PP3) according to the 2015 ACMG guidelines

NM_033337.3(CAV3):c.157A>C (p.Ser53Arg)

Genes: CAV3 (caveolin 3; plus strand), OXTR (oxytocin receptor; minus strand). Cytogenetic location: 3p25.3.
Variant type: single nucleotide variant.
Coding change: c.157A>C on transcript NM_033337.3 (MANE Select); coding-DNA position 157, A replaced by C.
Protein change: p.Ser53Arg; replaces serine 53 with arginine.
Molecular consequence: missense variant.
Genome position (GRCh38, 1-based): chr3:8,745,568, A>C. VCF-style: chr3-8745568-A-C. GRCh37 (hg19) VCF-style: chr3-8787254-A-C.
Other names: c.157A>C, p.Ser53Arg (NM_001234.5); short protein forms S53R.
Identifiers: ClinVar variation 2882848 (VCV002882848.5), dbSNP rs116840794, ClinGen allele CA351663192.